The following is an entry in ClinVar:

NM_003124.5(SPR):c.776A>G (p.Tyr259Cys)

Gene: SPR (sepiapterin reductase; plus strand). Cytogenetic location: 2p13.2.
Variant type: single nucleotide variant.
Coding change: c.776A>G on transcript NM_003124.5 (MANE Select); coding-DNA position 776, A replaced by G.
Protein change: p.Tyr259Cys; replaces tyrosine 259 with cysteine.
Molecular consequence: missense variant.
Genome position (GRCh38, 1-based): chr2:72,891,527, A>G. VCF-style: chr2-72891527-A-G. GRCh37 (hg19) VCF-style: chr2-73118656-A-G.
Other names: short protein forms Y259C.
Identifiers: ClinVar variation 962681 (VCV000962681.11), dbSNP rs139725344, ClinGen allele CA1709032.

ClinVar aggregate classification (germline): Uncertain significance. Review status: criteria provided, multiple submitters, no conflicts (2 of 4 stars). 2 submissions from 2 submitters: Uncertain significance (2). Last evaluated 2026-02-01.

Conditions:
Dystonic disorder. Also called: Dystonia. Identifiers: MedGen C0013421, MONDO:0003441, HP:0001332.

Allele frequency attached by ClinVar (database versions not stated): ExAC 0.00008; gnomAD exomes 0.00008; TOPMed 0.00009; gnomAD 0.00014; ESP Exome Variant Server 0.00038.

Submissions (2):

CeGaT Center for Human Genetics Tuebingen
Classification: Uncertain significance. Last evaluated: 2026-02-01. Review status: criteria provided, single submitter. Criteria: CeGaT Center For Human Genetics Tuebingen Variant Classification Criteria Version 2. Collection method: clinical testing. Allele origin: germline. Affected: yes. Observed: 1 variant allele.
Comment: SPR: PM2

Labcorp Genetics (formerly Invitae), Labcorp
Classification: Uncertain significance for Dystonic disorder. Last evaluated: 2022-07-18. Review status: criteria provided, single submitter. Criteria: Invitae Variant Classification Sherloc (09022015). Collection method: clinical testing. Allele origin: germline.
Comment: This sequence change replaces tyrosine, which is neutral and polar, with cysteine, which is neutral and slightly polar, at codon 259 of the SPR protein (p.Tyr259Cys). This variant is present in population databases (rs139725344, gnomAD 0.02%). This variant has not been reported in the literature in individuals affected with SPR-related conditions. ClinVar contains an entry for this variant (Variation ID: 962681). Algorithms developed to predict the effect of missense changes on protein structure and function are either unavailable or do not agree on the potential impact of this missense change (SIFT: "Deleterious"; PolyPhen-2: "Probably Damaging"; Align-GVGD: "Class C0"). In summary, the available evidence is currently insufficient to determine the role of this variant in disease. Therefore, it has been classified as a Variant of Uncertain Significance.